The following is an entry in ClinVar:

ClinVar aggregate classification (germline): Uncertain significance (1 of 4 stars; one submission).

Allele frequency attached by ClinVar (database versions not stated): TOPMed below 0.00001; gnomAD exomes 0.00002; ExAC 0.00004.
gnomAD v4.1: 24 of 1,613,574 alleles (0.0015%); highest among the groups gnomAD compares: East Asian, 0.011%; no homozygotes.

Submission:

Labcorp Genetics (formerly Invitae), Labcorp
Classification: Uncertain significance. Last evaluated: 2022-08-23. Review status: criteria provided, single submitter. Criteria: Invitae Variant Classification Sherloc (09022015). Collection method: clinical testing. Allele origin: germline.
Comment: This sequence change replaces methionine, which is neutral and non-polar, with valine, which is neutral and non-polar, at codon 3757 of the PCLO protein (p.Met3757Val). This variant is present in population databases (rs764159984, gnomAD 0.02%). This variant has not been reported in the literature in individuals affected with PCLO-related conditions. Algorithms developed to predict the effect of missense changes on protein structure and function are either unavailable or do not agree on the potential impact of this missense change (SIFT: "Deleterious"; PolyPhen-2: "Not Available"; Align-GVGD: "Class C0"). In summary, the available evidence is currently insufficient to determine the role of this variant in disease. Therefore, it has been classified as a Variant of Uncertain Significance.

NM_033026.6(PCLO):c.11269A>G (p.Met3757Val)

Gene: PCLO (piccolo presynaptic cytomatrix protein; minus strand). Cytogenetic location: 7q21.11.
Variant type: single nucleotide variant.
Coding change: c.11269A>G on transcript NM_033026.6 (MANE Select); coding-DNA position 11269, A replaced by G.
Protein change: p.Met3757Val; replaces methionine 3757 with valine.
Molecular consequence: missense variant.
Genome position (GRCh38, 1-based): chr7:82,916,717, T>C on the plus strand (A>G on the coding strand, the complement: PCLO is on the minus strand). VCF-style: chr7-82916717-T-C. GRCh37 (hg19) VCF-style: chr7-82546033-T-C.
Other names: c.11269A>G, p.Met3757Val (NM_014510.3); short protein forms M3757V.
Identifiers: ClinVar variation 1943683 (VCV001943683.2), dbSNP rs764159984, ClinGen allele CA4319584.